The following is an entry in ClinVar:

NM_001349253.2(SCN11A):c.331A>G (p.Ile111Val)

Gene: SCN11A (sodium voltage-gated channel alpha subunit 11; minus strand). Cytogenetic location: 3p22.2.
Variant type: single nucleotide variant.
Coding change: c.331A>G on transcript NM_001349253.2 (MANE Select); coding-DNA position 331, A replaced by G.
Protein change: p.Ile111Val; replaces isoleucine 111 with valine.
Molecular consequence: missense variant.
Genome position (GRCh38, 1-based): chr3:38,946,844, T>C on the plus strand (A>G on the coding strand, the complement: SCN11A is on the minus strand). VCF-style: chr3-38946844-T-C. GRCh37 (hg19) VCF-style: chr3-38988335-T-C.
Other names: c.331A>G, p.Ile111Val (NM_014139.3); short protein forms I111V.
Identifiers: ClinVar variation 541577 (VCV000541577.8), dbSNP rs1303641495, ClinGen allele CA352175599.

ClinVar aggregate classification (germline): Uncertain significance. Review status: criteria provided, multiple submitters, no conflicts (2 of 4 stars). 2 submissions from 2 submitters: Uncertain significance (2). Last evaluated 2024-09-15.

Conditions:
Hereditary sensory and autonomic neuropathy type 7. Also called: Neuropathy, hereditary sensory and autonomic, type VII; HSAN VII. Identifiers: Orphanet 391397, MedGen C3809882, MONDO:0014244, OMIM 615548.
Familial episodic pain syndrome with predominantly lower limb involvement. Also called: Episodic pain syndrome, familial, 3. Identifiers: Orphanet 391384, Orphanet 391392, MedGen C3809899, MONDO:0014247, OMIM 615552.
Inborn genetic diseases. Identifiers: MedGen C0950123, MeSH D030342.

Allele frequency attached by ClinVar (database versions not stated): gnomAD exomes below 0.00001; gnomAD 0.00003 and 0.00004; TOPMed 0.00004.
gnomAD v4.1: 8 of 1,613,918 alleles (0.0005%); highest among the groups gnomAD compares: African/African-American, 0.008%; no homozygotes.

Submissions (2):

Labcorp Genetics (formerly Invitae), Labcorp
Classification: Uncertain significance for Familial episodic pain syndrome with predominantly lower limb involvement; Hereditary sensory and autonomic neuropathy type 7. Last evaluated: 2024-09-15. Review status: criteria provided, single submitter. Criteria: Invitae Variant Classification Sherloc (09022015). Collection method: clinical testing. Allele origin: germline.
Comment: This sequence change replaces isoleucine, which is neutral and non-polar, with valine, which is neutral and non-polar, at codon 111 of the SCN11A protein (p.Ile111Val). This variant is present in population databases (no rsID available, gnomAD 0.01%). This variant has not been reported in the literature in individuals affected with SCN11A-related conditions. ClinVar contains an entry for this variant (Variation ID: 541577). Invitae Evidence Modeling of protein sequence and biophysical properties (such as structural, functional, and spatial information, amino acid conservation, physicochemical variation, residue mobility, and thermodynamic stability) indicates that this missense variant is not expected to disrupt SCN11A protein function with a negative predictive value of 80%. In summary, the available evidence is currently insufficient to determine the role of this variant in disease. Therefore, it has been classified as a Variant of Uncertain Significance.

Ambry Genetics
Classification: Uncertain significance for Inborn genetic diseases. Last evaluated: 2024-01-09. Review status: criteria provided, single submitter. Criteria: Ambry Variant Classification Scheme 2023. Collection method: clinical testing. Allele origin: germline.